The following is an entry in ClinVar:

ClinVar aggregate classification (germline): Uncertain significance (1 of 4 stars; one submission).

Submission:

Labcorp Genetics (formerly Invitae), Labcorp
Classification: Uncertain significance. Last evaluated: 2025-10-24. Review status: criteria provided, single submitter. Criteria: Invitae Variant Classification Sherloc (09022015). Collection method: clinical testing. Allele origin: germline.
Comment: This sequence change replaces valine, which is neutral and non-polar, with alanine, which is neutral and non-polar, at codon 736 of the ZSWIM6 protein (p.Val736Ala). This variant is not present in population databases (gnomAD no frequency). This variant has not been reported in the literature in individuals affected with ZSWIM6-related conditions. Invitae Evidence Modeling of protein sequence and biophysical properties (such as structural, functional, and spatial information, amino acid conservation, physicochemical variation, residue mobility, and thermodynamic stability) indicates that this missense variant is not expected to disrupt ZSWIM6 protein function with a negative predictive value of 80%. In summary, the available evidence is currently insufficient to determine the role of this variant in disease. Therefore, it has been classified as a Variant of Uncertain Significance.

NM_020928.2(ZSWIM6):c.2207T>C (p.Val736Ala)

Gene: ZSWIM6 (zinc finger SWIM-type containing 6; plus strand). Cytogenetic location: 5q12.1.
Variant type: single nucleotide variant.
Coding change: c.2207T>C on transcript NM_020928.2 (MANE Select); coding-DNA position 2207, T replaced by C.
Protein change: p.Val736Ala; replaces valine 736 with alanine.
Molecular consequence: missense variant.
Genome position (GRCh38, 1-based): chr5:61,531,687, T>C. VCF-style: chr5-61531687-T-C. GRCh37 (hg19) VCF-style: chr5-60827514-T-C.
Other names: short protein forms V736A.
Identifiers: ClinVar variation 4745306 (VCV004745306.1).